The following is an entry in ClinVar:

NM_001351132.2(PEX5):c.1265C>T (p.Ala422Val)

Gene: PEX5 (peroxisomal biogenesis factor 5; plus strand). Cytogenetic location: 12p13.31.
Variant type: single nucleotide variant.
Coding change: c.1265C>T on transcript NM_001351132.2 (MANE Select); coding-DNA position 1265, C replaced by T.
Protein change: p.Ala422Val; replaces alanine 422 with valine.
Molecular consequence: missense variant.
Genome position (GRCh38, 1-based): chr12:7,208,540, C>T. VCF-style: chr12-7208540-C-T. GRCh37 (hg19) VCF-style: chr12-7361136-C-T.
Other names: c.1241C>T, p.Ala414Val (NM_000319.5); c.1310C>T, p.Ala437Val (NM_001131023.2); c.1154C>T, p.Ala385Val (NM_001131024.2, NM_001351124.3, NM_001351126.2 and 7 more transcripts); c.1265C>T, p.Ala422Val (NM_001131025.2, NM_001131026.2, NM_001300789.3 and 4 more transcripts); c.1199C>T, p.Ala400Val (NM_001351135.3, NM_001351138.2); c.1256C>T, p.Ala419Val (NM_001351136.2); c.1130C>T, p.Ala377Val (NM_001351139.2, NM_001351140.2, NM_001374649.2); short protein forms A400V, A377V, A385V, A419V, A437V, A414V, A422V.
Identifiers: ClinVar variation 958505 (VCV000958505.7), dbSNP rs1945109944, ClinGen allele CA383733041.

ClinVar aggregate classification (germline): Uncertain significance (1 of 4 stars; one submission).

Conditions:
Peroxisome biogenesis disorder 2B (PBD2B). Identifiers: Orphanet 44, MedGen C3550234, MONDO:0008736, OMIM 202370.

gnomAD v4.1: 2 of 1,614,110 alleles (0.00012%); highest among the groups gnomAD compares: Non-Finnish European, 0.00017%; no homozygotes.

Submission:

Labcorp Genetics (formerly Invitae), Labcorp
Classification: Uncertain significance for Peroxisome biogenesis disorder 2B. Last evaluated: 2022-07-19. Review status: criteria provided, single submitter. Criteria: Invitae Variant Classification Sherloc (09022015). Collection method: clinical testing. Allele origin: germline.
Comment: In summary, the available evidence is currently insufficient to determine the role of this variant in disease. Therefore, it has been classified as a Variant of Uncertain Significance. Algorithms developed to predict the effect of sequence changes on RNA splicing suggest that this variant may create or strengthen a splice site. Algorithms developed to predict the effect of missense changes on protein structure and function are either unavailable or do not agree on the potential impact of this missense change (SIFT: "Tolerated"; PolyPhen-2: "Probably Damaging"; Align-GVGD: "Class C0"). ClinVar contains an entry for this variant (Variation ID: 958505). This variant has not been reported in the literature in individuals affected with PEX5-related conditions. This variant is not present in population databases (gnomAD no frequency). This sequence change replaces alanine, which is neutral and non-polar, with valine, which is neutral and non-polar, at codon 422 of the PEX5 protein (p.Ala422Val).